The following is an entry in ClinVar:

ClinVar aggregate classification (germline): Uncertain significance (1 of 4 stars; one submission).

Conditions:
Ataxia-hypogonadism-choroidal dystrophy syndrome (BNHS). Also called: Chorioretinal dystrophy, spinocerebellar ataxia and hypogonadotropic hypogonadism; Boucher-Neuhäuser Syndrome (BNS). Identifiers: Orphanet 1180, MedGen C1859093, MONDO:0008980, OMIM 215470.

Submission:

3billion
Classification: Uncertain significance for Ataxia-hypogonadism-choroidal dystrophy syndrome. Last evaluated: 2022-01-03. Review status: criteria provided, single submitter. Criteria: ACMG Guidelines, 2015. Collection method: clinical testing. Allele origin: germline. Affected: yes. Observed: 1 heterozygote.
Comment: The variant is not observed in the gnomAD v2.1.1 dataset (PM2_M). A missense variant is a common mechanism associated with Boucher-Neuhauser syndrome (PP2_P). In silico tool predictions suggest no damaging effect of the variant on gene or gene product (REVEL:0.033<=0.4, 3CNET:0.011<=0.25, BP4_P). Therefore, this variant is classified as uncertain significance according to the recommendation of ACMG/AMP guideline.

NM_001166114.2(PNPLA6):c.3832A>G (p.Ser1278Gly)

Gene: PNPLA6 (patatin like domain 6, lysophospholipase; plus strand). Cytogenetic location: 19p13.2.
Variant type: single nucleotide variant.
Coding change: c.3832A>G on transcript NM_001166114.2 (MANE Select); coding-DNA position 3832, A replaced by G.
Protein change: p.Ser1278Gly; replaces serine 1278 with glycine.
Molecular consequence: missense variant.
Genome position (GRCh38, 1-based): chr19:7,561,029, A>G. VCF-style: chr19-7561029-A-G. GRCh37 (hg19) VCF-style: chr19-7625915-A-G.
Other names: c.3862A>G, p.Ser1288Gly (NM_001166111.2); c.3637A>G, p.Ser1213Gly (NM_001166112.2); c.3718A>G, p.Ser1240Gly (NM_001166113.1, NM_006702.5); short protein forms S1213G, S1240G, S1278G, S1288G.
Identifiers: ClinVar variation 1333230 (VCV001333230.1), dbSNP rs2146122850, ClinGen allele CA403138315.